The following is an entry in ClinVar:

ClinVar aggregate classification (germline): Uncertain significance (1 of 4 stars; one submission).

Conditions:
Leukocyte adhesion deficiency type II. Also called: CONGENITAL DISORDER OF GLYCOSYLATION, TYPE IIc; Congenital disorder of glycosylation type 2C; CDG 2C; Leukocyte adhesion deficiency type 2; Rambam Hasharon syndrome; CDG IIc. Identifiers: Orphanet 2968, Orphanet 99843, MedGen C0398739, MONDO:0009953, OMIM 266265.

Allele frequency attached by ClinVar (database versions not stated): gnomAD exomes below 0.00001; gnomAD 0.00001.
gnomAD v4.1: 3 of 1,605,838 alleles (0.00019%); highest among the groups gnomAD compares: Non-Finnish European, 0.00017%; no homozygotes.

Submission:

Labcorp Genetics (formerly Invitae), Labcorp
Classification: Uncertain significance for Leukocyte adhesion deficiency type II. Last evaluated: 2020-11-18. Review status: criteria provided, single submitter. Criteria: Invitae Variant Classification Sherloc (09022015). Collection method: clinical testing. Allele origin: germline.
Comment: This variant has not been reported in the literature in individuals with SLC35C1-related conditions. In summary, the available evidence is currently insufficient to determine the role of this variant in disease. Therefore, it has been classified as a Variant of Uncertain Significance. Algorithms developed to predict the effect of missense changes on protein structure and function (SIFT, PolyPhen-2, Align-GVGD) all suggest that this variant is likely to be tolerated, but these predictions have not been confirmed by published functional studies and their clinical significance is uncertain. This variant is not present in population databases (ExAC no frequency). This sequence change replaces tyrosine with serine at codon 137 of the SLC35C1 protein (p.Tyr137Ser). The tyrosine residue is highly conserved and there is a large physicochemical difference between tyrosine and serine.

NM_018389.5(SLC35C1):c.410A>C (p.Tyr137Ser)

Gene: SLC35C1 (solute carrier family 35 member C1; plus strand). Cytogenetic location: 11p11.2.
Variant type: single nucleotide variant.
Coding change: c.410A>C on transcript NM_018389.5 (MANE Select); coding-DNA position 410, A replaced by C.
Protein change: p.Tyr137Ser; replaces tyrosine 137 with serine.
Molecular consequence: missense variant.
Genome position (GRCh38, 1-based): chr11:45,806,211, A>C. VCF-style: chr11-45806211-A-C. GRCh37 (hg19) VCF-style: chr11-45827762-A-C.
Other names: c.371A>C, p.Tyr124Ser (NM_001145265.2, NM_001145266.2); short protein forms Y137S, Y124S.
Identifiers: ClinVar variation 1476369 (VCV001476369.7), dbSNP rs1183848479, ClinGen allele CA380202921.